The following is an entry in ClinVar:

ClinVar aggregate classification (germline): Uncertain significance (1 of 4 stars; one submission).

gnomAD v4.1: 9 of 1,614,182 alleles (0.00056%); highest among the groups gnomAD compares: South Asian, 0.0088%; no homozygotes.

Submission:

Labcorp Genetics (formerly Invitae), Labcorp
Classification: Uncertain significance. Last evaluated: 2023-07-07. Review status: criteria provided, single submitter. Criteria: Invitae Variant Classification Sherloc (09022015). Collection method: clinical testing. Allele origin: germline.
Comment: In summary, the available evidence is currently insufficient to determine the role of this variant in disease. Therefore, it has been classified as a Variant of Uncertain Significance. Advanced modeling of protein sequence and biophysical properties (such as structural, functional, and spatial information, amino acid conservation, physicochemical variation, residue mobility, and thermodynamic stability) has been performed at Invitae for this missense variant, however the output from this modeling did not meet the statistical confidence thresholds required to predict the impact of this variant on ARID1B protein function. This variant has not been reported in the literature in individuals affected with ARID1B-related conditions. This variant is present in population databases (no rsID available, gnomAD 0.006%). This sequence change replaces serine, which is neutral and polar, with tryptophan, which is neutral and slightly polar, at codon 815 of the ARID1B protein (p.Ser815Trp).

NM_001374828.1(ARID1B):c.2654C>G (p.Ser885Trp)

Gene: ARID1B (AT-rich interaction domain 1B; plus strand). Cytogenetic location: 6q25.3.
Variant type: single nucleotide variant.
Coding change: c.2654C>G on transcript NM_001374828.1 (MANE Select); coding-DNA position 2654, C replaced by G.
Protein change: p.Ser885Trp; replaces serine 885 with tryptophan.
Molecular consequence: missense variant.
Genome position (GRCh38, 1-based): chr6:157,133,100, C>G. VCF-style: chr6-157133100-C-G. GRCh37 (hg19) VCF-style: chr6-157454234-C-G.
Other names: c.2405C>G, p.Ser802Trp (NM_001346813.1); c.155C>G, p.Ser52Trp (NM_001363725.2); c.2693C>G, p.Ser898Trp (NM_001371656.1, NM_001374820.1); c.2654C>G, p.Ser885Trp (NM_017519.3); c.2444C>G, p.Ser815Trp (NM_020732.3); c.2231C>G, p.Ser744Trp (NM_175863.2); short protein forms S802W, S815W, S744W, S885W, S52W, S898W.
Identifiers: ClinVar variation 2961818 (VCV002961818.3), dbSNP rs150140314, ClinGen allele CA366388349.